The following is an entry in ClinVar:

ClinVar aggregate classification (germline): Uncertain significance (1 of 4 stars; one submission).

Submission:

Women's Health and Genetics/Laboratory Corporation of America, LabCorp
Classification: Uncertain significance. Last evaluated: 2022-11-18. Review status: criteria provided, single submitter. Criteria: LabCorp Variant Classification Summary - May 2015. Collection method: clinical testing. Allele origin: germline.
Comment: Variant summary: LTBP4 c.2240_2258delinsTCACCCT (p.Gln747_Ser753delinsLeuThrLeu) results in an in-frame deletion-insertion that is predicted to delete 7 amino acids from the protein and also insert 3 amino acids. The variant was absent in 245702 control chromosomes. To our knowledge, no occurrence of c.2240_2258delinsTCACCCT in individuals affected with Cutis Laxa - LTBP4 Related and no experimental evidence demonstrating its impact on protein function have been reported. No clinical diagnostic laboratories have submitted clinical-significance assessments for this variant to ClinVar after 2014. Based on the evidence outlined above, the variant was classified as uncertain significance.

NM_001042545.2(LTBP4):c.2150_2168delinsTCACCCT (p.Gln717_Ser723delinsLeuThrLeu)

Gene: LTBP4 (latent transforming growth factor beta binding protein 4; plus strand). Cytogenetic location: 19q13.2.
Variant type: Indel.
Coding change: c.2150_2168delinsTCACCCT on transcript NM_001042545.2 (MANE Select); coding-DNA positions 2150 to 2168, AACCCAACACTGCTGGCTC replaced by TCACCCT.
Protein change: p.Gln717_Ser723delinsLeuThrLeu.
Molecular consequence: inframe indel.
Genome position (GRCh38, 1-based): chr19:40,611,955-40,611,973, AACCCAACACTGCTGGCTC replaced by TCACCCT. VCF-style: chr19-40611955-AACCCAACACTGCTGGCTC-TCACCCT. GRCh37 (hg19) VCF-style: chr19-41117861-AACCCAACACTGCTGGCTC-TCACCCT.
Other names: c.2351_2369delinsTCACCCT, p.Gln784_Ser790delinsLeuThrLeu (NM_001042544.1); c.2240_2258delinsTCACCCT, p.Gln747_Ser753delinsLeuThrLeu (NM_003573.2).
Identifiers: ClinVar variation 1804747 (VCV001804747.1), dbSNP rs2515362250, ClinGen allele CA2580097271.